The following is an entry in ClinVar:

NM_006343.3(MERTK):c.1009A>T (p.Thr337Ser)

Genes: MERTK (MER proto-oncogene, tyrosine kinase; plus strand), LOC112806037 (Sharpr-MPRA regulatory region 3720; plus strand). Cytogenetic location: 2q13.
Variant type: single nucleotide variant.
Coding change: c.1009A>T on transcript NM_006343.3 (MANE Select); coding-DNA position 1009, A replaced by T.
Protein change: p.Thr337Ser; replaces threonine 337 with serine.
Molecular consequence: missense variant.
Genome position (GRCh38, 1-based): chr2:111,975,337, A>T. VCF-style: chr2-111975337-A-T. GRCh37 (hg19) VCF-style: chr2-112732914-A-T.
Other names: short protein forms T337S.
Identifiers: ClinVar variation 1953901 (VCV001953901.5), dbSNP rs1373357563, ClinGen allele CA348233442.
Genomic context (GRCh38, chr2:111,975,337, plus strand): 5'-CTCTTCGTTTAGGTCAAGGAAGCTGATCCGCTGAGTAATGGCTCAGTCATGATTTTTAAC[A>T]CCTCTGCCTTACCACATCTGTACCAAATCAAGCAGCTGCAAGCCCTGGCTAATTACAGCA-3'
Protein context (NP_006334.2, residues 327-347): LSNGSVMIFN[Thr337Ser]SALPHLYQIK

ClinVar aggregate classification (germline): Uncertain significance (1 of 4 stars; one submission).

gnomAD v4.1: 2 of 1,614,096 alleles (0.00012%); highest among the groups gnomAD compares: Admixed American, 0.0033%; no homozygotes.

Submission:

Labcorp Genetics (formerly Invitae), Labcorp
Classification: Uncertain significance. Last evaluated: 2024-01-18. Review status: criteria provided, single submitter. Criteria: Invitae Variant Classification Sherloc (09022015). Collection method: clinical testing. Allele origin: germline.
Comment: This sequence change replaces threonine, which is neutral and polar, with serine, which is neutral and polar, at codon 337 of the MERTK protein (p.Thr337Ser). This variant is present in population databases (no rsID available, gnomAD 0.006%). This variant has not been reported in the literature in individuals affected with MERTK-related conditions. ClinVar contains an entry for this variant (Variation ID: 1953901). Advanced modeling of protein sequence and biophysical properties (such as structural, functional, and spatial information, amino acid conservation, physicochemical variation, residue mobility, and thermodynamic stability) performed at Invitae indicates that this missense variant is not expected to disrupt MERTK protein function with a negative predictive value of 80%. In summary, the available evidence is currently insufficient to determine the role of this variant in disease. Therefore, it has been classified as a Variant of Uncertain Significance.